The following is an entry in ClinVar:

ClinVar aggregate classification (germline): Uncertain significance (1 of 4 stars; one submission).

Conditions:
Cardiovascular phenotype. Identifiers: MedGen CN230736.

gnomAD v4.1: 1 of 1,614,042 alleles (0.000062%); highest among the groups gnomAD compares: Non-Finnish European, 0.000085%; no homozygotes.

Submission:

Ambry Genetics
Classification: Uncertain significance for Cardiovascular phenotype. Last evaluated: 2025-06-17. Review status: criteria provided, single submitter. Criteria: Ambry Variant Classification Scheme 2023. Collection method: clinical testing. Allele origin: germline.
Comment: The p.A306T variant (also known as c.916G>A), located in coding exon 8 of the VCL gene, results from a G to A substitution at nucleotide position 916. The alanine at codon 306 is replaced by threonine, an amino acid with similar properties. This amino acid position is conserved. In addition, the in silico prediction for this alteration is inconclusive. Based on the available evidence, the clinical significance of this variant remains unclear.

NM_014000.3(VCL):c.916G>A (p.Ala306Thr)

Gene: VCL (vinculin; plus strand). Cytogenetic location: 10q22.2.
Variant type: single nucleotide variant.
Coding change: c.916G>A on transcript NM_014000.3 (MANE Select); coding-DNA position 916, G replaced by A.
Protein change: p.Ala306Thr; replaces alanine 306 with threonine.
Molecular consequence: missense variant.
Genome position (GRCh38, 1-based): chr10:74,083,407, G>A. VCF-style: chr10-74083407-G-A. GRCh37 (hg19) VCF-style: chr10-75843165-G-A.
Other names: c.916G>A, p.Ala306Thr (NM_003373.4); short protein forms A306T.
Identifiers: ClinVar variation 4198541 (VCV004198541.1).
Genomic context (GRCh38, chr10:74,083,407, plus strand): 5'-GAATATCTCTTTATTTTAGGGGATGCTGGTGAGCAGGCCATCAGACAGATCTTAGATGAA[G>A]CTGGAAAAGTTGGTGAACTCTGTGCAGGCAAAGAACGCAGGGAGATTCTGGGAACTTGCA-3'
Protein context (NP_054706.1, residues 296-316): EQAIRQILDE[Ala306Thr]GKVGELCAGK